The following is an entry in ClinVar:

ClinVar aggregate classification (germline): Uncertain significance. Review status: criteria provided, multiple submitters, no conflicts (2 of 4 stars). 2 submissions from 2 submitters: Uncertain significance (2). Last evaluated 2023-04-28.

Conditions:
Cardiovascular phenotype. Identifiers: MedGen CN230736.
Desmin-related myofibrillar myopathy (MFM1). Also called: Desminopathy; MYOFIBRILLAR MYOPATHY WITH ARRHYTHMOGENIC RIGHT VENTRICULAR CARDIOMYOPATHY; DESMIN-RELATED MYOPATHY WITH ARRHYTHMOGENIC RIGHT VENTRICULAR CARDIOMYOPATHY; Myofibrillar myopathy 1; Desmin related myopathy (former name); Desmin storage myopathy (former name). Identifiers: Orphanet 363543, Orphanet 98909, MedGen C1832370, MONDO:0011076, OMIM 601419.

Submissions (2):

Ambry Genetics
Classification: Uncertain significance for Cardiovascular phenotype. Last evaluated: 2023-04-28. Review status: criteria provided, single submitter. Criteria: Ambry Variant Classification Scheme 2023. Collection method: clinical testing. Allele origin: germline.
Comment: The p.E161G variant (also known as c.482A>G), located in coding exon 1 of the DES gene, results from an A to G substitution at nucleotide position 482. The glutamic acid at codon 161 is replaced by glycine, an amino acid with similar properties. This amino acid position is conserved. In addition, this alteration is predicted to be deleterious by in silico analysis. Since supporting evidence is limited at this time, the clinical significance of this alteration remains unclear.

Labcorp Genetics (formerly Invitae), Labcorp
Classification: Uncertain significance for Desmin-related myofibrillar myopathy. Last evaluated: 2022-06-01. Review status: criteria provided, single submitter. Criteria: Invitae Variant Classification Sherloc (09022015). Collection method: clinical testing. Allele origin: germline.
Comment: This variant is not present in population databases (gnomAD no frequency). This variant has not been reported in the literature in individuals affected with DES-related conditions. Algorithms developed to predict the effect of missense changes on protein structure and function are either unavailable or do not agree on the potential impact of this missense change (SIFT: "Deleterious"; PolyPhen-2: "Possibly Damaging"; Align-GVGD: "Class C0"). In summary, the available evidence is currently insufficient to determine the role of this variant in disease. Therefore, it has been classified as a Variant of Uncertain Significance. This sequence change replaces glutamic acid, which is acidic and polar, with glycine, which is neutral and non-polar, at codon 161 of the DES protein (p.Glu161Gly).

NM_001927.4(DES):c.482A>G (p.Glu161Gly)

Gene: DES (desmin; plus strand). Cytogenetic location: 2q35.
Variant type: single nucleotide variant.
Coding change: c.482A>G on transcript NM_001927.4 (MANE Select); coding-DNA position 482, A replaced by G.
Protein change: p.Glu161Gly; replaces glutamic acid 161 with glycine.
Molecular consequence: missense variant.
Genome position (GRCh38, 1-based): chr2:219,418,944, A>G. VCF-style: chr2-219418944-A-G. GRCh37 (hg19) VCF-style: chr2-220283666-A-G.
Other names: c.482A>G, p.Glu161Gly (NM_001382708.1, NM_001382709.1, NM_001382710.1 and 3 more transcripts); short protein forms E161G.
Identifiers: ClinVar variation 1997310 (VCV001997310.6), dbSNP rs1401619117, ClinGen allele CA350686579.